The following is an entry in ClinVar:

NM_001042492.3(NF1):c.7323T>G (p.Ala2441=)

Gene: NF1 (neurofibromin 1; plus strand). Cytogenetic location: 17q11.2.
Variant type: single nucleotide variant.
Coding change: c.7323T>G on transcript NM_001042492.3 (MANE Select); coding-DNA position 7323, T replaced by G.
Protein change: p.Ala2441=; no amino-acid change (alanine 2441 retained).
Molecular consequence: synonymous variant.
Genome position (GRCh38, 1-based): chr17:31,350,184, T>G. VCF-style: chr17-31350184-T-G. GRCh37 (hg19) VCF-style: chr17-29677202-T-G.
Other names: c.7260T>G, p.Ala2420= (NM_000267.4).
Identifiers: ClinVar variation 413024 (VCV000413024.57), dbSNP rs765750009, ClinGen allele CA8487558.

ClinVar aggregate classification (germline): Conflicting classifications of pathogenicity. Review status: criteria provided, conflicting classifications (1 of 4 stars). 5 submissions from 5 submitters: Uncertain significance (1); Benign (1); Likely benign (3). Last evaluated 2026-09-29.

Conditions:
Hereditary cancer-predisposing syndrome. Also called: Hereditary Cancer Syndrome; Hereditary neoplastic syndrome; Neoplastic Syndromes, Hereditary; Tumor predisposition. Identifiers: Orphanet 140162, MedGen C0027672, MeSH D009386, MONDO:0015356.
Cardiovascular phenotype. Identifiers: MedGen CN230736.
Neurofibromatosis, type 1 (NF1). Also called: VON RECKLINGHAUSEN DISEASE; NEUROFIBROMATOSIS, TYPE I, SOMATIC; Neurofibromatosis, type I; Peripheral type neurofibromatosis. Identifiers: Orphanet 636, MedGen C0027831, MONDO:0018975, OMIM 162200. Disease mechanism: loss of function.
Neurofibromatosis-Noonan syndrome (NFNS). Also called: NEUROFIBROMATOSIS WITH NOONAN PHENOTYPE. Identifiers: Orphanet 638, MedGen C2931482, MONDO:0011035, OMIM 601321. Disease mechanism: loss of function.
Café-au-lait macules with pulmonary stenosis (WTSN). Also called: PULMONIC STENOSIS WITH CAFE-AU-LAIT SPOTS. Identifiers: MedGen C0553586, MONDO:0008672, OMIM 193520.

Allele frequency attached by ClinVar (database versions not stated): ExAC 0.00002; gnomAD 0.00001; TOPMed 0.00001; gnomAD exomes 0.00001.
gnomAD v4.1: 5 of 1,613,872 alleles (0.00031%); highest among the groups gnomAD compares: Admixed American, 0.0067%; no homozygotes.

Submissions (5):

Myriad Genetics, Inc.
Classification: Benign for Neurofibromatosis, type 1. Last evaluated: 2026-09-29. Review status: criteria provided, single submitter. Criteria: Myriad Autosomal Dominant, Autosomal Recessive and X-Linked Classification Criteria (2023). Collection method: clinical testing. Allele origin: unknown.
Comment: This variant is considered benign. This variant is a silent/synonymous amino acid change and it is not expected to impact splicing.

Labcorp Genetics (formerly Invitae), Labcorp
Classification: Likely benign for Neurofibromatosis, type 1. Last evaluated: 2025-10-07. Review status: criteria provided, single submitter. Criteria: Invitae Variant Classification Sherloc (09022015). Collection method: clinical testing. Allele origin: germline.

Ambry Genetics
Classification: Likely benign for Cardiovascular phenotype; Hereditary cancer-predisposing syndrome. Last evaluated: 2025-04-03. Review status: criteria provided, single submitter. Criteria: Ambry Variant Classification Scheme 2023. Collection method: clinical testing. Allele origin: germline.

New York Genome Center
Classification: Uncertain significance for Café-au-lait macules with pulmonary stenosis; Neurofibromatosis-Noonan syndrome; Neurofibromatosis, type 1. Last evaluated: 2021-07-02. Review status: criteria provided, single submitter. Criteria: NYGC Assertion Criteria 2020. Collection method: clinical testing. Allele origin: inherited. Observed: 1 heterozygote. Study: CSER-NYCKidSeq.

GeneDx
Classification: Likely benign. Last evaluated: 2018-04-19. Review status: criteria provided, single submitter. Criteria: GeneDx Variant Classification (06012015). Collection method: clinical testing. Allele origin: germline. Affected: yes.
Comment: This variant is considered likely benign or benign based on one or more of the following criteria: it is a conservative change, it occurs at a poorly conserved position in the protein, it is predicted to be benign by multiple in silico algorithms, and/or has population frequency not consistent with disease.